The following is an entry in ClinVar:

ClinVar aggregate classification (germline): Uncertain significance (1 of 4 stars; one submission).

Submission:

Institute for Human Genetics, University Hospital Essen
Classification: Uncertain significance. Last evaluated: 2005-03-05. Review status: criteria provided, single submitter. Criteria: ACMG Guidelines, 2015. Collection method: clinical testing. Allele origin: de novo. Affected: yes.
Comment: PM2_supp, PS2

NR_004400.1(RNVU1-18):n.3A>G

Genes: RNVU1-18 (RNA, variant U1 small nuclear 18), LOC107985108 (uncharacterized LOC107985108; plus strand). Cytogenetic location: 1q21.1.
Variant type: single nucleotide variant.
Molecular consequence: non-coding transcript variant (on NR_004400.1).
Genome position: GRCh38 VCF-style: chr1-143729568-T-C. GRCh37 (hg19) VCF-style: chr1-149224219-T-C.
Identifiers: ClinVar variation 3770179 (VCV003770179.1).
Genomic context (GRCh38, chr1:143,729,568, plus strand): 5'-GATAAGCCTCGCCCTGGGAAAACCACCTTCGTGATCATGGTATCTCCCCTGCCAGGTAAG[T>C]ATGAGATCTTGCACCTCCGCCCCGCCACAGCCTCACACGCTTCACCCTTTACACGCACGG-3'